The following is an entry in ClinVar:

ClinVar aggregate classification (germline): Uncertain significance (1 of 4 stars; one submission).

Submission:

Labcorp Genetics (formerly Invitae), Labcorp
Classification: Uncertain significance. Last evaluated: 2024-09-23. Review status: criteria provided, single submitter. Criteria: Invitae Variant Classification Sherloc (09022015). Collection method: clinical testing. Allele origin: germline.
Comment: This sequence change replaces serine, which is neutral and polar, with cysteine, which is neutral and slightly polar, at codon 337 of the ASCC1 protein (p.Ser337Cys). This variant is not present in population databases (gnomAD no frequency). This variant has not been reported in the literature in individuals affected with ASCC1-related conditions. ClinVar contains an entry for this variant (Variation ID: 1374733). Invitae Evidence Modeling of protein sequence and biophysical properties (such as structural, functional, and spatial information, amino acid conservation, physicochemical variation, residue mobility, and thermodynamic stability) indicates that this missense variant is not expected to disrupt ASCC1 protein function with a negative predictive value of 80%. In summary, the available evidence is currently insufficient to determine the role of this variant in disease. Therefore, it has been classified as a Variant of Uncertain Significance.

NM_001198800.3(ASCC1):c.1010C>G (p.Ser337Cys)

Gene: ASCC1 (activating signal cointegrator 1 complex subunit 1; minus strand). Cytogenetic location: 10q22.1.
Variant type: single nucleotide variant.
Coding change: c.1010C>G on transcript NM_001198800.3 (MANE Select); coding-DNA position 1010, C replaced by G.
Protein change: p.Ser337Cys; replaces serine 337 with cysteine.
Molecular consequence: missense variant. On other transcripts: 3 prime UTR variant (20), non-coding transcript variant (1).
Genome position (GRCh38, 1-based): chr10:72,097,398, G>C on the plus strand (C>G on the coding strand, the complement: ASCC1 is on the minus strand). VCF-style: chr10-72097398-G-C. GRCh37 (hg19) VCF-style: chr10-73857156-G-C.
Other names: c.1010C>G, p.Ser337Cys (NM_001198798.2, NM_001369093.1, NM_001369094.1 and 1 more transcripts); c.*88C>G (NM_001198799.3, NM_001369085.1, NM_001369087.1 and 3 more transcripts); c.*45C>G (NM_001369086.1, NM_001369090.1, NM_001369091.1 and 11 more transcripts); c.956C>G, p.Ser319Cys (NM_001369099.1); c.893C>G, p.Ser298Cys (NM_001369105.1, NM_001369106.1, NM_001369107.1); c.890C>G, p.Ser297Cys (NM_001369108.1, NM_001369109.1); short protein forms S297C, S298C, S319C, S337C.
Identifiers: ClinVar variation 1374733 (VCV001374733.6), dbSNP rs745576172, ClinGen allele CA377154361.